The following is an entry in ClinVar:

NM_002742.3(PRKD1):c.1953G>A (p.Thr651=)

Gene: PRKD1 (protein kinase D1; minus strand). Cytogenetic location: 14q12.
Variant type: single nucleotide variant.
Coding change: c.1953G>A on transcript NM_002742.3 (MANE Select); coding-DNA position 1953, G replaced by A.
Protein change: p.Thr651=; no amino-acid change (threonine 651 retained).
Molecular consequence: synonymous variant.
Genome position (GRCh38, 1-based): chr14:29,599,770, C>T on the plus strand (G>A on the coding strand, the complement: PRKD1 is on the minus strand). VCF-style: chr14-29599770-C-T. GRCh37 (hg19) VCF-style: chr14-30068976-C-T.
Other names: c.1977G>A, p.Thr659= (NM_001330069.2); c.1689G>A, p.Thr563= (NM_001348390.1).
Identifiers: ClinVar variation 791591 (VCV000791591.28), dbSNP rs55996071, ClinGen allele CA7141004.

ClinVar aggregate classification (germline): Benign/Likely benign. Review status: criteria provided, multiple submitters, no conflicts (2 of 4 stars). 3 submissions from 3 submitters: Benign (2); Likely benign (1). Last evaluated 2026-04-01.

Allele frequency attached by ClinVar (database versions not stated): 1000 Genomes Project 30x 0.00109; 1000 Genomes Project 0.00120; TOPMed 0.00404; ESP Exome Variant Server 0.00461; gnomAD 0.00564 and 0.00619; ExAC 0.00625.

Submissions (3):

CeGaT Center for Human Genetics Tuebingen
Classification: Likely benign. Last evaluated: 2026-04-01. Review status: criteria provided, single submitter. Criteria: CeGaT Center For Human Genetics Tuebingen Variant Classification Criteria Version 2. Collection method: clinical testing. Allele origin: germline. Affected: yes. Observed: 13 variant alleles.
Comment: PRKD1: BP4, BP7, BS2

Labcorp Genetics (formerly Invitae), Labcorp
Classification: Benign. Last evaluated: 2019-12-31. Review status: criteria provided, single submitter. Criteria: Invitae Variant Classification Sherloc (09022015). Collection method: clinical testing. Allele origin: germline.

Breakthrough Genomics
Classification: Benign. Review status: criteria provided, single submitter. Criteria: ACMG Guidelines, 2015. Collection method: not provided. Allele origin: germline. Inheritance: Autosomal dominant inheritance. Affected: yes.